The following is an entry in ClinVar:

NM_007294.4(BRCA1):c.671-1_679dup

Gene: BRCA1 (BRCA1 DNA repair associated; minus strand). Cytogenetic location: 17q21.31.
Variant type: Duplication.
Coding change: c.671-1_679dup on transcript NM_007294.4 (MANE Select); the canonical splice acceptor site of the intron before coding-DNA position 671 through coding-DNA position 679, 10 bases duplicated (GCTGCTTGTG; older notation c.671-1_679dupGCTGCTTGTG).
Molecular consequence: splice acceptor variant. On other transcripts: intron variant (13).
Genome position (GRCh38, 1-based): chr17:43,094,852-43,094,861, CACAAGCAGC duplicated on the plus strand (GCTGCTTGTG on the coding strand, the reverse complement: BRCA1 is on the minus strand). VCF-style (leftmost placement, unchanged base first): chr17-43094851-T-TCACAAGCAGC. GRCh37 (hg19) VCF-style: chr17-41246868-T-TCACAAGCAGC.
Other names: c.335-1_343dup (NM_001407954.1, NM_001407958.1, NM_001407955.1 and 3 more transcripts); c.404-1_412dup (NM_001408504.1, NM_001408503.1, NM_001407934.1 and 5 more transcripts); c.527-1_535dup (NM_001408463.1, NM_001407847.1, NM_001407740.1 and 26 more transcripts); c.407-1_415dup (NM_001408499.1, NM_001407933.1, NM_001407927.1 and 15 more transcripts); c.548-3829_548-3820dup (NM_001408494.1); c.548-1_556dup (NM_001408444.1, NM_001408438.1, NM_001408430.1 and 34 more transcripts); c.670+985_670+994dup (NM_001408423.1, NM_001408420.1, NM_001408419.1 and 2 more transcripts); c.671-1_679dup (NM_001408404.1, NM_001408472.1, NM_001407990.1 and 53 more transcripts); and 20 more.
Identifiers: ClinVar variation 3773525 (VCV003773525.1).

ClinVar aggregate classification (germline): Pathogenic (1 of 4 stars; one submission).

Conditions:
Breast-ovarian cancer, familial, susceptibility to, 1 (BROVCA1). Also called: BRCA1 Hereditary Breast and Ovarian Cancer; OVARIAN CANCER, SUSCEPTIBILITY TO. Identifiers: Orphanet 145, MedGen C2676676, MONDO:0011450, OMIM 604370. Disease mechanism: loss of function.

Submission:

Myriad Genetics, Inc.
Classification: Pathogenic for Breast-ovarian cancer, familial, susceptibility to, 1. Last evaluated: 2024-11-13. Review status: criteria provided, single submitter. Criteria: Myriad Autosomal Dominant, Autosomal Recessive and X-Linked Classification Criteria (2023). Collection method: clinical testing. Allele origin: unknown.
Comment: This variant is considered pathogenic. This variant creates a frameshift predicted to result in premature protein truncation.